The following is an entry in ClinVar:

ClinVar aggregate classification (germline): Likely benign. Review status: criteria provided, multiple submitters, no conflicts (2 of 4 stars). 4 submissions from 4 submitters: Likely benign (4). Last evaluated 2025-09-14.

Conditions:
Seizures, benign familial infantile, 3 (BFIS3). Also called: Familial neonatal seizures; CONVULSIONS, BENIGN FAMILIAL INFANTILE, 3. Identifiers: Orphanet 140927, Orphanet 306, MedGen C1843140, MONDO:0011904, OMIM 607745.
Developmental and epileptic encephalopathy, 11 (DEE11). Also called: Early infantile epileptic encephalopathy 11. Identifiers: Orphanet 1934, MedGen C3150987, MONDO:0013388, OMIM 613721.

Allele frequency attached by ClinVar (database versions not stated): gnomAD exomes 0.00001 and 0.00002; ExAC 0.00002; gnomAD 0.00004 and 0.00005; ESP Exome Variant Server 0.00008; TOPMed 0.00010; 1000 Genomes Project 30x 0.00031.
gnomAD v4.1: 27 of 1,613,962 alleles (0.0017%); highest among the groups gnomAD compares: African/African-American, 0.033%; no homozygotes.

Submissions (4):

Labcorp Genetics (formerly Invitae), Labcorp
Classification: Likely benign for Seizures, benign familial infantile, 3; Developmental and epileptic encephalopathy, 11. Last evaluated: 2025-09-14. Review status: criteria provided, single submitter. Criteria: Invitae Variant Classification Sherloc (09022015). Collection method: clinical testing. Allele origin: germline.

CeGaT Center for Human Genetics Tuebingen
Classification: Likely benign. Last evaluated: 2024-08-01. Review status: criteria provided, single submitter. Criteria: CeGaT Center For Human Genetics Tuebingen Variant Classification Criteria Version 2. Collection method: clinical testing. Allele origin: germline. Affected: yes. Observed: 1 variant allele.
Comment: SCN2A: BP4, BP7

Women's Health and Genetics/Laboratory Corporation of America, LabCorp
Classification: Likely benign. Last evaluated: 2024-06-11. Review status: criteria provided, single submitter. Criteria: LabCorp Variant Classification Summary - May 2015. Collection method: clinical testing. Allele origin: germline.

GeneDx
Classification: Likely benign. Last evaluated: 2020-08-04. Review status: criteria provided, single submitter. Criteria: GeneDx Variant Classification Process June 2021. Collection method: clinical testing. Allele origin: germline. Affected: yes.

NM_001040142.2(SCN2A):c.1953T>C (p.Asn651=)

Gene: SCN2A (sodium voltage-gated channel alpha subunit 2; plus strand). Cytogenetic location: 2q24.3.
Variant type: single nucleotide variant.
Coding change: c.1953T>C on transcript NM_001040142.2 (MANE Select); coding-DNA position 1953, T replaced by C.
Protein change: p.Asn651=; no amino-acid change (asparagine 651 retained).
Molecular consequence: synonymous variant.
Genome position (GRCh38, 1-based): chr2:165,323,437, T>C. VCF-style: chr2-165323437-T-C. GRCh37 (hg19) VCF-style: chr2-166179947-T-C.
Other names: c.1953T>C, p.Asn651= (NM_001040143.2, NM_001371246.1, NM_001371247.1 and 1 more transcripts).
Identifiers: ClinVar variation 515830 (VCV000515830.29), dbSNP rs199722574, ClinGen allele CA1939891.
Genomic context (GRCh38, chr2:165,323,437, plus strand): 5'-CTCCAGGGTGCTCCCCATCCTGCCCATGAATGGGAAGATGCATAGCGCTGTGGACTGCAA[T>C]GGTGTGGTCTCCCTGGTCGGGGGCCCTTCTACCCTCACATCTGCTGGGCAGCTCCTACCA-3'
Protein context (NP_001035232.1, residues 641-661): NGKMHSAVDC[Asn651=]GVVSLVGGPS